The following is an entry in ClinVar:

NM_000256.3(MYBPC3):c.2744A>C (p.Glu915Ala)

Gene: MYBPC3 (myosin binding protein C3; minus strand). Cytogenetic location: 11p11.2.
Variant type: single nucleotide variant.
Coding change: c.2744A>C on transcript NM_000256.3 (MANE Select); coding-DNA position 2744, A replaced by C.
Protein change: p.Glu915Ala; replaces glutamic acid 915 with alanine.
Molecular consequence: missense variant.
Genome position (GRCh38, 1-based): chr11:47,335,203, T>G on the plus strand (A>C on the coding strand, the complement: MYBPC3 is on the minus strand). VCF-style: chr11-47335203-T-G. GRCh37 (hg19) VCF-style: chr11-47356754-T-G.
Other names: short protein forms E915A.
Identifiers: ClinVar variation 3876136 (VCV003876136.1).

ClinVar aggregate classification (germline): Uncertain significance (1 of 4 stars; one submission).

Conditions:
Cardiovascular phenotype. Identifiers: MedGen CN230736.

gnomAD v4.1: 1 of 1,591,378 alleles (0.000063%); highest among the groups gnomAD compares: Non-Finnish European, 0.000086%; no homozygotes.

Submission:

Ambry Genetics
Classification: Uncertain significance for Cardiovascular phenotype. Last evaluated: 2025-01-13. Review status: criteria provided, single submitter. Criteria: Ambry Variant Classification Scheme 2023. Collection method: clinical testing. Allele origin: germline.
Comment: The p.E915A variant (also known as c.2744A>C), located in coding exon 27 of the MYBPC3 gene, results from an A to C substitution at nucleotide position 2744. The glutamic acid at codon 915 is replaced by alanine, an amino acid with dissimilar properties. This amino acid position is conserved. In addition, this alteration is predicted to be tolerated by in silico analysis. Based on the available evidence, the clinical significance of this variant remains unclear.